The following is an entry in ClinVar:

NM_020686.6(ABAT):c.366+11G>T

Gene: ABAT (4-aminobutyrate aminotransferase; plus strand). Cytogenetic location: 16p13.2.
Variant type: single nucleotide variant.
Coding change: c.366+11G>T on transcript NM_020686.6 (MANE Select); 11 bases into the intron after coding-DNA position 366, G replaced by T.
Molecular consequence: intron variant.
Genome position (GRCh38, 1-based): chr16:8,757,817, G>T. VCF-style: chr16-8757817-G-T. GRCh37 (hg19) VCF-style: chr16-8851674-G-T.
Other names: c.366+11G>T (NM_001386602.1, NM_001386609.1, NM_001386605.1 and 10 more transcripts); c.462+11G>T (NM_001386615.1); c.231+11G>T (NM_001386610.1, NM_001386611.1, NM_001386612.1 and 1 more transcripts); c.120+11G>T (NM_001386614.1).
Identifiers: ClinVar variation 321069 (VCV000321069.14), dbSNP rs141893184, ClinGen allele CA7893083.

ClinVar aggregate classification (germline): Benign/Likely benign. Review status: criteria provided, multiple submitters, no conflicts (2 of 4 stars). 3 submissions from 3 submitters: Benign (2); Likely benign (1). Last evaluated 2025-12-25.

Conditions:
Gamma-aminobutyric acid transaminase deficiency (GABATD). Also called: GABA aminotransaminase deficiency; GABA transaminase deficiency; Gamma aminobutyrate transaminase deficiency; 4 alpha aminobutyrate transaminase deficiency. Identifiers: Orphanet 2066, MedGen C0342708, MONDO:0013166, OMIM 613163.

Allele frequency attached by ClinVar (database versions not stated): gnomAD exomes 0.00028 and 0.00078; ExAC 0.00097; 1000 Genomes Project 0.00280; 1000 Genomes Project 30x 0.00281; gnomAD 0.00293 and 0.00318; TOPMed 0.00325; ESP Exome Variant Server 0.00423.
gnomAD v4.1: 856 of 1,613,778 alleles (0.053%); highest among the groups gnomAD compares: African/African-American, 1.1%; 2 homozygotes.

Submissions (3):

Labcorp Genetics (formerly Invitae), Labcorp
Classification: Benign for Gamma-aminobutyric acid transaminase deficiency. Last evaluated: 2025-12-25. Review status: criteria provided, single submitter. Criteria: Invitae Variant Classification Sherloc (09022015). Collection method: clinical testing. Allele origin: germline.

Blueprint Genetics
Classification: Likely benign. Last evaluated: 2024-07-18. Review status: criteria provided, single submitter. Criteria: ACMG Guidelines, 2015. Collection method: clinical testing. Allele origin: germline.

Illumina Laboratory Services, Illumina
Classification: Benign for Gamma-aminobutyric acid transaminase deficiency. Last evaluated: 2018-01-13. Review status: criteria provided, single submitter. Criteria: ICSL Variant Classification Criteria 13 December 2019. Collection method: clinical testing. Allele origin: germline.
Comment: This variant was observed in the ICSL laboratory as part of a predisposition screen in an ostensibly healthy population. It had not been previously curated by ICSL or reported in the Human Gene Mutation Database (HGMD: prior to June 1st, 2018), and was therefore a candidate for classification through an automated scoring system. Utilizing variant allele frequency, disease prevalence and penetrance estimates, and inheritance mode, an automated score was calculated to assess if this variant is too frequent to cause the disease. Based on the score and internal cut-off values, a variant classified as benign is not then subjected to further curation. The score for this variant resulted in a classification of benign for this disease.